The following is an entry in ClinVar:

NM_000377.3(WAS):c.1067C>A (p.Pro356His)

Gene: WAS (WASP actin nucleation promoting factor; plus strand). Cytogenetic location: Xp11.23.
Variant type: single nucleotide variant.
Coding change: c.1067C>A on transcript NM_000377.3 (MANE Select); coding-DNA position 1067, C replaced by A.
Protein change: p.Pro356His; replaces proline 356 with histidine.
Molecular consequence: missense variant.
Genome position (GRCh38, 1-based): chrX:48,688,795, C>A. VCF-style: chrX-48688795-C-A. GRCh37 (hg19) VCF-style: chrX-48547184-C-A.
Other names: short protein forms P356H.
Identifiers: ClinVar variation 2159032 (VCV002159032.4), dbSNP rs2062428814, ClinGen allele CA412873184.

ClinVar aggregate classification (germline): Uncertain significance (1 of 4 stars; one submission).

Conditions:
X-linked severe congenital neutropenia (SCNX). Identifiers: Orphanet 86788, MedGen C1845987, MONDO:0010294, OMIM 300299.
Thrombocytopenia 1. Also called: X-Linked Thrombocytopenia (XLT); THROMBOCYTOPENIA, X-LINKED, 1; X-linked thrombocytopenia with normal platelets. Identifiers: Orphanet 268322, Orphanet 852, MedGen C1839163, MONDO:0010743, OMIM 313900.
Wiskott-Aldrich syndrome (WAS). Also called: Wiskott-aldrich syndrome, somatic; ALDRICH SYNDROME; IMMUNODEFICIENCY 2; WISKOTT-ALDRICH SYNDROME 1. Identifiers: Orphanet 906, MedGen C0043194, MONDO:0010518, OMIM 301000.

Allele frequency attached by ClinVar (database versions not stated): gnomAD 0.00001.

Submission:

Labcorp Genetics (formerly Invitae), Labcorp
Classification: Uncertain significance for Wiskott-Aldrich syndrome; X-linked severe congenital neutropenia; Thrombocytopenia 1. Last evaluated: 2022-08-19. Review status: criteria provided, single submitter. Criteria: Invitae Variant Classification Sherloc (09022015). Collection method: clinical testing. Allele origin: germline.
Comment: This variant is not present in population databases (gnomAD no frequency). This sequence change replaces proline, which is neutral and non-polar, with histidine, which is basic and polar, at codon 356 of the WAS protein (p.Pro356His). This variant has not been reported in the literature in individuals affected with WAS-related conditions. Experimental studies and prediction algorithms are not available or were not evaluated, and the functional significance of this variant is currently unknown. In summary, the available evidence is currently insufficient to determine the role of this variant in disease. Therefore, it has been classified as a Variant of Uncertain Significance.